The following is an entry in ClinVar:

ClinVar aggregate classification (germline): Uncertain significance (1 of 4 stars; one submission).

Conditions:
Early-onset Lafora body disease. Also called: Epilepsy, progressive myoclonic, 10. Identifiers: Orphanet 324290, MedGen C4225258, MONDO:0014717, OMIM 616640.

Allele frequency attached by ClinVar (database versions not stated): TOPMed below 0.00001; gnomAD 0.00001.
gnomAD v4.1: 8 of 1,538,828 alleles (0.00052%); highest among the groups gnomAD compares: Middle Eastern, 0.13%; no homozygotes.

Submission:

Labcorp Genetics (formerly Invitae), Labcorp
Classification: Uncertain significance for Early-onset Lafora body disease. Last evaluated: 2024-02-17. Review status: criteria provided, single submitter. Criteria: Invitae Variant Classification Sherloc (09022015). Collection method: clinical testing. Allele origin: germline.
Comment: This sequence change replaces glycine, which is neutral and non-polar, with serine, which is neutral and polar, at codon 565 of the PRDM8 protein (p.Gly565Ser). This variant is not present in population databases (gnomAD no frequency). This variant has not been reported in the literature in individuals affected with PRDM8-related conditions. ClinVar contains an entry for this variant (Variation ID: 860408). Algorithms developed to predict the effect of missense changes on protein structure and function output the following: SIFT: "Not Available"; PolyPhen-2: "Possibly Damaging"; Align-GVGD: "Not Available". The serine amino acid residue is found in multiple mammalian species, which suggests that this missense change does not adversely affect protein function. In summary, the available evidence is currently insufficient to determine the role of this variant in disease. Therefore, it has been classified as a Variant of Uncertain Significance.

NM_001099403.2(PRDM8):c.1693G>A (p.Gly565Ser)

Gene: PRDM8 (PR/SET domain 8; plus strand). Cytogenetic location: 4q21.21.
Variant type: single nucleotide variant.
Coding change: c.1693G>A on transcript NM_001099403.2 (MANE Select); coding-DNA position 1693, G replaced by A.
Protein change: p.Gly565Ser; replaces glycine 565 with serine.
Molecular consequence: missense variant.
Genome position (GRCh38, 1-based): chr4:80,203,155, G>A. VCF-style: chr4-80203155-G-A. GRCh37 (hg19) VCF-style: chr4-81124309-G-A.
Other names: c.1693G>A, p.Gly565Ser (NM_020226.4); short protein forms G565S.
Identifiers: ClinVar variation 860408 (VCV000860408.9), dbSNP rs866625939, ClinGen allele CA100001588.
Genomic context (GRCh38, chr4:80,203,155, plus strand): 5'-CTAGCGGTGAAGCTCCAGGGGGCCGCGGACCTGAACGGAGGTTGCGGGTCCCTGCCGAGC[G>A]GCGGCGGCGGCCTGCCTAAGCAGAGCCCCTTCCTGTACGCCACCGCCTTCTGGCCCAAGA-3'
Protein context (NP_001092873.1, residues 555-575): LNGGCGSLPS[Gly565Ser]GGGLPKQSPF